The following is an entry in ClinVar:

ClinVar aggregate classification (germline): Conflicting classifications of pathogenicity. Review status: criteria provided, conflicting classifications (1 of 4 stars). 3 submissions from 3 submitters: Uncertain significance (2); Likely benign (1). Last evaluated 2026-02-14.

Conditions:
Familial thoracic aortic aneurysm and aortic dissection (TAAD). Also called: Thoracic aortic aneurysms and dissections. Identifiers: Orphanet 91387, MedGen C4707243, MONDO:0019625.
Melnick-Needles syndrome (MNS). Also called: MELNICK-NEEDLES OSTEODYSPLASTY; Melnick-Needles Syndrome (FLNA-MNS); OSTEODYSPLASTY OF MELNICK AND NEEDLES. Identifiers: Orphanet 2484, MedGen C0025237, MONDO:0010650, OMIM 309350.
Frontometaphyseal dysplasia (FMD1). Identifiers: Orphanet 1826, MedGen C0265293, MONDO:0015942.
Heterotopia, periventricular, X-linked dominant (PVNH1). Also called: PERIVENTRICULAR NODULAR HETEROTOPIA 1; X-linked periventricular heterotopia; PERIVENTRICULAR NODULAR HETEROTOPIA 4; HETEROTOPIA, PERIVENTRICULAR, 1. Identifiers: Orphanet 2149, Orphanet 82004, MedGen C1848213, MONDO:0010233, OMIM 300049.
Oto-palato-digital syndrome, type II (OPD2). Also called: FACIOPALATOOSSEOUS SYNDROME; Otopalatodigital Syndrome Type 2 (FLNA-OPD2); OPD II SYNDROME; Otopalatodigital Syndrome, Type II. Identifiers: Orphanet 669, Orphanet 90652, MedGen C1844696, MONDO:0010571, OMIM 304120.

Allele frequency attached by ClinVar (database versions not stated): gnomAD exomes below 0.00001 and 0.00001; TOPMed below 0.00001; ExAC 0.00001.
gnomAD v4.1: 4 of 1,212,040 alleles (0.00033%); highest among the groups gnomAD compares: African/African-American, 0.0017%; no homozygotes.

Submissions (3):

Ambry Genetics
Classification: Uncertain significance for Familial thoracic aortic aneurysm and aortic dissection. Last evaluated: 2026-02-14. Review status: criteria provided, single submitter. Criteria: Ambry Variant Classification Scheme 2023. Collection method: clinical testing. Allele origin: germline.
Comment: The p.K1711R variant (also known as c.5132A>G), located in coding exon 29 of the FLNA gene, results from an A to G substitution at nucleotide position 5132. The lysine at codon 1711 is replaced by arginine, an amino acid with highly similar properties. This amino acid position is conserved. In addition, this alteration is predicted to be tolerated by in silico analysis. Based on the available evidence, the clinical significance of this variant remains unclear.

Labcorp Genetics (formerly Invitae), Labcorp
Classification: Likely benign for Oto-palato-digital syndrome, type II; Heterotopia, periventricular, X-linked dominant; Frontometaphyseal dysplasia; Melnick-Needles syndrome. Last evaluated: 2022-08-23. Review status: criteria provided, single submitter. Criteria: Invitae Variant Classification Sherloc (09022015). Collection method: clinical testing. Allele origin: germline.

Victorian Clinical Genetics Services, Murdoch Childrens Research Institute
Classification: Uncertain significance for Heterotopia, periventricular, X-linked dominant. Last evaluated: 2020-10-19. Review status: criteria provided, single submitter. Criteria: ACMG Guidelines, 2015. Collection method: clinical testing. Allele origin: germline.
Comment: Based on the classification scheme VCGS_Germline_v1.1.1, this variant is classified as 3B-VUS. Following criteria are met: 0103 - Both loss- and gain-of-function are known mechanisms of disease for this gene. (N) 0108 - This gene is known to be associated with both X-linked recessive and dominant disease. (N) 0200 - Variant is predicted to result in a missense amino acid change from lysine to arginine (exon 31). (N) 0253 - Variant is hemizygous. (N) 0302 - Variant is present in gnomAD <0.001 for a dominant condition (1 heterozygote, 0 homozygotes). (P) 0502 - Missense variant with conflicting in silico predictions and/or uninformative conservation. (N) 0600 - Variant is located in an annotated domain or motif. (Filamin repeat; DECIPHER, NCBI conserved domain) (N) 0705 - No comparable variants have previous evidence for pathogenicity. The p.(Lys1719Gln) variant has been classified as a VUS in ClinVar. (N) 0807 - Variant has not previously been reported in a clinical context. (N) 0905 - No segregation evidence has been identified for this variant. (N) 1007 - No published functional evidence has been identified for this variant. (N) 1208 - Inheritance information for this variant is not currently available. (N) Legend: (P) - Pathogenic, (N) - Neutral, (B) - Benign

NM_001110556.2(FLNA):c.5156A>G (p.Lys1719Arg)

Gene: FLNA (filamin A; minus strand). Cytogenetic location: Xq28.
Variant type: single nucleotide variant.
Coding change: c.5156A>G on transcript NM_001110556.2 (MANE Select); coding-DNA position 5156, A replaced by G.
Protein change: p.Lys1719Arg; replaces lysine 1719 with arginine.
Molecular consequence: missense variant.
Genome position (GRCh38, 1-based): chrX:154,354,886, T>C on the plus strand (A>G on the coding strand, the complement: FLNA is on the minus strand). VCF-style: chrX-154354886-T-C. GRCh37 (hg19) VCF-style: chrX-153583254-T-C.
Other names: c.5132A>G (NM_001456.3); c.5156A>G (NM_001110556.1); c.5132A>G, p.Lys1711Arg (NM_001456.4); short protein forms K1719R, K1711R.
Identifiers: ClinVar variation 1420734 (VCV001420734.8), dbSNP rs782502175, ClinGen allele CA10560380.